The following is an entry in ClinVar:

ClinVar aggregate classification (germline): Uncertain significance (1 of 4 stars; one submission).

Conditions:
MYH7B-related disorder. Also called: MYH7B-related condition.

gnomAD v4.1: 1 of 1,613,518 alleles (0.000062%); highest among the groups gnomAD compares: Admixed American, 0.0017%; no homozygotes.

Submission:

PreventionGenetics, part of Exact Sciences
Classification: Uncertain significance for MYH7B-related condition. Last evaluated: 2025-02-06. Review status: criteria provided, single submitter. Criteria: ACMG Guidelines, 2015. Collection method: clinical testing. Allele origin: germline.
Comment: The MYH7B c.234G>A variant is predicted to result in premature protein termination (p.Trp78*). To our knowledge, this variant has not been reported in the literature. This variant is reported in 0.0029% of alleles in individuals of Latino descent in gnomAD. At this time, the clinical significance of this variant is uncertain due to the absence of conclusive functional and genetic evidence.

NM_020884.7(MYH7B):c.108G>A (p.Trp36Ter)

Gene: MYH7B (myosin heavy chain 7B; plus strand). Cytogenetic location: 20q11.22.
Variant type: single nucleotide variant.
Coding change: c.108G>A on transcript NM_020884.7 (MANE Select); coding-DNA position 108, G replaced by A.
Protein change: p.Trp36Ter; replaces tryptophan 36 with a stop codon.
Molecular consequence: nonsense.
Genome position (GRCh38, 1-based): chr20:34,979,406, G>A. VCF-style: chr20-34979406-G-A. GRCh37 (hg19) VCF-style: chr20-33567209-G-A.
Other names: short protein forms W36*.
Identifiers: ClinVar variation 4977901 (VCV004977901.1).